The following is an entry in ClinVar:

NM_000459.5(TEK):c.1387A>G (p.Ile463Val)

Gene: TEK (TEK receptor tyrosine kinase; plus strand). Cytogenetic location: 9p21.2.
Variant type: single nucleotide variant.
Coding change: c.1387A>G on transcript NM_000459.5 (MANE Select); coding-DNA position 1387, A replaced by G.
Protein change: p.Ile463Val; replaces isoleucine 463 with valine.
Molecular consequence: missense variant.
Genome position (GRCh38, 1-based): chr9:27,190,588, A>G. VCF-style: chr9-27190588-A-G. GRCh37 (hg19) VCF-style: chr9-27190586-A-G.
Other names: c.1258A>G, p.Ile420Val (NM_001290077.2, NM_001375476.1); c.946A>G, p.Ile316Val (NM_001290078.2); c.1387A>G, p.Ile463Val (NM_001375475.1); short protein forms I463V, I316V, I420V.
Identifiers: ClinVar variation 366423 (VCV000366423.12), dbSNP rs200857533, ClinGen allele CA5016224.

ClinVar aggregate classification (germline): Conflicting classifications of pathogenicity. Review status: criteria provided, conflicting classifications (1 of 4 stars). 3 submissions from 3 submitters: Uncertain significance (1); Benign (1); Likely benign (1). Last evaluated 2025-08-01.

Conditions:
Inborn genetic diseases. Identifiers: MedGen C0950123, MeSH D030342.
Multiple cutaneous and mucosal venous malformations (VMCM). Also called: TEK-Related Multiple Cutaneous and Mucosal Venous Malformations (VMCM). Identifiers: Orphanet 2451, MedGen C1838437, MONDO:0010842, OMIM 600195.

Allele frequency attached by ClinVar (database versions not stated): TOPMed 0.00006; gnomAD exomes 0.00010 and 0.00013; gnomAD 0.00009; ExAC 0.00010; ESP Exome Variant Server 0.00008.
gnomAD v4.1: 199 of 1,613,984 alleles (0.012%); highest among the groups gnomAD compares: Non-Finnish European, 0.013%; no homozygotes.

Submissions (3):

Ambry Genetics
Classification: Uncertain significance for Inborn genetic diseases. Last evaluated: 2025-08-01. Review status: criteria provided, single submitter. Criteria: Ambry Variant Classification Scheme 2023. Collection method: clinical testing. Allele origin: germline.

Labcorp Genetics (formerly Invitae), Labcorp
Classification: Likely benign. Last evaluated: 2025-06-14. Review status: criteria provided, single submitter. Criteria: Invitae Variant Classification Sherloc (09022015). Collection method: clinical testing. Allele origin: germline.

Illumina Laboratory Services, Illumina
Classification: Benign for Multiple cutaneous and mucosal venous malformations. Last evaluated: 2018-01-13. Review status: criteria provided, single submitter. Criteria: ICSL Variant Classification Criteria 13 December 2019. Collection method: clinical testing. Allele origin: germline.
Comment: This variant was observed in the ICSL laboratory as part of a predisposition screen in an ostensibly healthy population. It had not been previously curated by ICSL or reported in the Human Gene Mutation Database (HGMD: prior to June 1st, 2018), and was therefore a candidate for classification through an automated scoring system. Utilizing variant allele frequency, disease prevalence and penetrance estimates, and inheritance mode, an automated score was calculated to assess if this variant is too frequent to cause the disease. Based on the score and internal cut-off values, a variant classified as benign is not then subjected to further curation. The score for this variant resulted in a classification of benign for this disease.